The following is an entry in ClinVar:

NM_000159.4(GCDH):c.471C>G (p.Ser157Arg)

Gene: GCDH (glutaryl-CoA dehydrogenase; plus strand). Cytogenetic location: 19p13.13.
Variant type: single nucleotide variant.
Coding change: c.471C>G on transcript NM_000159.4 (MANE Select); coding-DNA position 471, C replaced by G.
Protein change: p.Ser157Arg; replaces serine 157 with arginine.
Molecular consequence: missense variant. On other transcripts: non-coding transcript variant (2).
Genome position (GRCh38, 1-based): chr19:12,893,619, C>G. VCF-style: chr19-12893619-C-G. GRCh37 (hg19) VCF-style: chr19-13004433-C-G.
Other names: c.471C>G, p.Ser157Arg (NM_013976.5); short protein forms S157R.
Identifiers: ClinVar variation 3731280 (VCV003731280.1).

ClinVar aggregate classification (germline): Uncertain significance (1 of 4 stars; one submission).

Conditions:
Glutaric aciduria, type 1. Also called: GA I; Glutaricaciduria, type I; Glutaric Acidemia Type 1; Glutaric acidemia type I; Glutaricacidemia Type 1; Glutaryl-CoA dehydrogenase deficiency. Identifiers: Orphanet 25, MedGen C0268595, MONDO:0009281, OMIM 231670.

Submission:

Neuberg Centre For Genomic Medicine, NCGM
Classification: Uncertain significance for Glutaric aciduria, type 1. Review status: criteria provided, single submitter. Criteria: ACMG Guidelines, 2015. Collection method: clinical testing. Allele origin: germline. Inheritance: Autosomal recessive inheritance. Affected: yes.
Comment: The observed missense c.471C>G(p.Ser157Arg) variant in GCDH gene has not been reported previously as a pathogenic variant nor as a benign variant, to our knowledge. This variant is absent in gnomAD Exomes. The amino acid Ser at position 157 is changed to a Arg changing protein sequence and it might alter its composition and physico-chemical properties. Multiple lines of computational evidence (Polyphen - Possibly Damaging, SIFT - Damaging, and MutationTaster - Disease causing) predict a damaging effect on protein structure and function for this variant. For these reasons, this variant has been classified as Uncertain Significance.